The following is an entry in ClinVar:

ClinVar aggregate classification (germline): Pathogenic (1 of 4 stars; one submission).

Submission:

GeneDx
Classification: Pathogenic. Last evaluated: 2025-06-02. Review status: criteria provided, single submitter. Criteria: GeneDx Variant Classification Process June 2021. Collection method: clinical testing. Allele origin: germline. Affected: yes.
Comment: Not observed at significant frequency in large population cohorts (gnomAD); In silico analysis, which includes protein predictors and evolutionary conservation, supports that this variant does not alter protein structure/function; Has not been previously published as pathogenic or benign to our knowledge

NM_016604.4(KDM3B):c.4622A>G (p.Tyr1541Cys)

Gene: KDM3B (lysine demethylase 3B; plus strand). Cytogenetic location: 5q31.2.
Variant type: single nucleotide variant.
Coding change: c.4622A>G on transcript NM_016604.4 (MANE Select); coding-DNA position 4622, A replaced by G.
Protein change: p.Tyr1541Cys; replaces tyrosine 1541 with cysteine.
Molecular consequence: missense variant.
Genome position (GRCh38, 1-based): chr5:138,427,308, A>G. VCF-style: chr5-138427308-A-G. GRCh37 (hg19) VCF-style: chr5-137762997-A-G.
Other names: short protein forms Y1541C.
Identifiers: ClinVar variation 1320806 (VCV001320806.4), dbSNP rs2127002964, ClinGen allele CA361094060.